The following is an entry in ClinVar:

ClinVar aggregate classification (germline): Uncertain significance (1 of 4 stars; one submission).

gnomAD v4.1: 2 of 1,613,436 alleles (0.00012%); highest among the groups gnomAD compares: Middle Eastern, 0.033%; no homozygotes.

Submission:

Labcorp Genetics (formerly Invitae), Labcorp
Classification: Uncertain significance. Last evaluated: 2022-11-01. Review status: criteria provided, single submitter. Criteria: Invitae Variant Classification Sherloc (09022015). Collection method: clinical testing. Allele origin: germline.
Comment: In summary, the available evidence is currently insufficient to determine the role of this variant in disease. Therefore, it has been classified as a Variant of Uncertain Significance. Algorithms developed to predict the effect of sequence changes on RNA splicing suggest that this variant may disrupt the consensus splice site. This variant has not been reported in the literature in individuals affected with LOXL3-related conditions. This variant is not present in population databases (gnomAD no frequency). This sequence change affects codon 359 of the LOXL3 mRNA. It is a 'silent' change, meaning that it does not change the encoded amino acid sequence of the LOXL3 protein.

NM_032603.5(LOXL3):c.1077C>G (p.Gly359=)

Gene: LOXL3 (lysyl oxidase like 3; minus strand). Cytogenetic location: 2p13.1.
Variant type: single nucleotide variant.
Coding change: c.1077C>G on transcript NM_032603.5 (MANE Select); coding-DNA position 1077, C replaced by G.
Protein change: p.Gly359=; no amino-acid change (glycine 359 retained).
Molecular consequence: synonymous variant. On other transcripts: 5 prime UTR variant (1).
Genome position (GRCh38, 1-based): chr2:74,536,307, G>C on the plus strand (C>G on the coding strand, the complement: LOXL3 is on the minus strand). VCF-style: chr2-74536307-G-C. GRCh37 (hg19) VCF-style: chr2-74763434-G-C.
Other names: c.642C>G, p.Gly214= (NM_001289164.3); c.-7C>G (NM_001289165.2).
Identifiers: ClinVar variation 1909406 (VCV001909406.5), dbSNP rs752476018, ClinGen allele CA426840312.